The following is an entry in ClinVar:

ClinVar aggregate classification (germline): Uncertain significance (1 of 4 stars; one submission).

Conditions:
POLD1-related polyposis and colorectal cancer syndrome (CRCS10). Also called: Colorectal cancer 10; COLORECTAL CANCER, SUSCEPTIBILITY TO, ON CHROMOSOME 19q; Colorectal cancer, susceptibility to, 10. Identifiers: Orphanet 220460, MedGen C2675481, MONDO:0012953, OMIM 612591.

Submission:

Labcorp Genetics (formerly Invitae), Labcorp
Classification: Uncertain significance for POLD1-related polyposis and colorectal cancer syndrome. Last evaluated: 2024-01-30. Review status: criteria provided, single submitter. Criteria: Invitae Variant Classification Sherloc (09022015). Collection method: clinical testing. Allele origin: unknown.
Comment: This variant is a gross deletion of the genomic region encompassing exon(s) 4-10 of the POLD1 gene. Missense variants that disrupt the 3'-5' exonuclease (proof-reading) activity of the POLD1 protein are associated with PPAP (polymerase proofreading‚Äìassociated polyposis) (PMID: 23263490, 23447401). However, loss-of-function variants that result in an absent or severely disrupted POLD1 protein, and missense variants outside the exonuclease domain, are unlikely to be associated with PPAP. This variant has not been reported in the literature in individuals affected with POLD1-related conditions. In summary, the available evidence is currently insufficient to determine the role of this variant in disease. Therefore, it has been classified as a Variant of Uncertain Significance.

Literature cited by the submitters: PubMed 23263490; PubMed 23447401.

NC_000019.9:g.(?_50905015)_(50906874_?)del

Gene: POLD1 (DNA polymerase delta 1, catalytic subunit; plus strand). Cytogenetic location: 19q13.33.
Variant type: Deletion.
Identifiers: ClinVar variation 3248470 (VCV003248470.1).